The following is an entry in ClinVar:

NM_007294.4(BRCA1):c.689_692del (p.Glu230fs)

Gene: BRCA1 (BRCA1 DNA repair associated; minus strand). Cytogenetic location: 17q21.31.
Variant type: Deletion.
Coding change: c.689_692del on transcript NM_007294.4 (MANE Select); coding-DNA positions 689 to 692, 4 bases deleted (AGAC; older notation c.689_692delAGAC).
Protein change: p.Glu230fs; shifts the reading frame from glutamic acid 230.
Molecular consequence: frameshift variant. On other transcripts: non-coding transcript variant (1).
Genome position (GRCh38, 1-based): chr17:43,094,839-43,094,842, GTCT deleted on the plus strand (AGAC on the coding strand, the reverse complement: BRCA1 is on the minus strand). VCF-style (leftmost placement, unchanged base first): chr17-43094838-CGTCT-C. GRCh37 (hg19) VCF-style: chr17-41246855-CGTCT-C.
Other names: 0808delAGAC; c.-200_-197delAGAC (NM_001407967.1, NM_001407966.1); c.689_692delAGAC, p.Glu230Glyfs (NM_001407968.1, NM_001407969.1, NM_001407970.1 and 52 more transcripts); c.686_689delAGAC, p.Glu229Glyfs (NM_001407972.1, NM_001407984.1, NM_001407985.1 and 38 more transcripts); c.680_683delAGAC, p.Glu227Glyfs (NM_001408408.1, NM_001407646.1, NM_001407647.1); c.611_614delAGAC, p.Glu204Glyfs (NM_001408409.1, NM_001408411.1, NM_001408412.1 and 9 more transcripts); c.548_551delAGAC, p.Glu183Glyfs (NM_001408410.1, NM_001408452.1, NM_001408453.1 and 42 more transcripts); c.608_611delAGAC, p.Glu203Glyfs (NM_001408413.1, NM_001408416.1, NM_001407659.1 and 3 more transcripts); and 17 more; short protein forms E183fs, E230fs.
Identifiers: ClinVar variation 266567 (VCV000266567.16), dbSNP rs886040308, ClinGen allele CA10590002.
Genomic context (GRCh38, chr17:43,094,838, plus strand): 5'-CTTCTCAGTGGTGTTCAAATCATTATTACTGGGTTGATGATGTTCAGTATTTGTTACATC[CGTCT>C]CAGAAAATTCACAAGCAGCTGAAAATATACAAAAATAACAAGGTACTCAAAAACTGAATT-3'

ClinVar aggregate classification (germline): Pathogenic. Review status: reviewed by expert panel (3 of 4 stars). 8 submissions from 8 submitters: Pathogenic (1). 7 of the submissions do not count toward it. Last evaluated 2016-10-18.

Conditions:
Familial cancer of breast. Also called: BREAST CANCER, FAMILIAL; hereditary breast carcinoma; Hereditary breast cancer. Identifiers: Orphanet 227535, MedGen C0346153, MONDO:0016419, OMIM 114480. Disease mechanism: loss of function.
Hereditary cancer-predisposing syndrome. Also called: Hereditary Cancer Syndrome; Neoplastic Syndromes, Hereditary; Hereditary neoplastic syndrome; Tumor predisposition. Identifiers: Orphanet 140162, MedGen C0027672, MeSH D009386, MONDO:0015356.
Hereditary breast ovarian cancer syndrome. Also called: Hereditary breast and ovarian cancer syndrome (HBOC); Breast and ovarian cancer; Hereditary breast and ovarian cancer syndrome; Hereditary breast and ovarian cancer; BRCA1- and BRCA2-Associated Hereditary Breast and Ovarian Cancer; Hereditary breast and/or ovarian cancer syndrome. Identifiers: Orphanet 145, MedGen C0677776, MeSH D061325, MONDO:0003582. Disease mechanism: loss of function.
Breast-ovarian cancer, familial, susceptibility to, 1 (BROVCA1). Also called: BRCA1 Hereditary Breast and Ovarian Cancer; OVARIAN CANCER, SUSCEPTIBILITY TO. Identifiers: Orphanet 145, MedGen C2676676, MONDO:0011450, OMIM 604370. Disease mechanism: loss of function.

Submissions (8):

Evidence-based Network for the Interpretation of Germline Mutant Alleles (ENIGMA)
Classification: Pathogenic for Breast-ovarian cancer, familial, susceptibility to, 1. Last evaluated: 2016-10-18. Review status: reviewed by expert panel. Criteria: ENIGMA BRCA1/2 Classification Criteria (2015). Collection method: curation. Allele origin: germline.
Comment: Variant allele predicted to encode a truncated non-functional protein.

Labcorp Genetics (formerly Invitae), Labcorp
Classification: Pathogenic for Hereditary breast ovarian cancer syndrome. Last evaluated: 2024-06-09. Review status: criteria provided, single submitter. Criteria: Invitae Variant Classification Sherloc (09022015). Collection method: clinical testing. Allele origin: germline. Not counted in ClinVar's aggregate classification.
Comment: This sequence change creates a premature translational stop signal (p.Glu230Glyfs*3) in the BRCA1 gene. It is expected to result in an absent or disrupted protein product. Loss-of-function variants in BRCA1 are known to be pathogenic (PMID: 20104584). This variant is not present in population databases (gnomAD no frequency). This variant has not been reported in the literature in individuals affected with BRCA1-related conditions. ClinVar contains an entry for this variant (Variation ID: 266567). Algorithms developed to predict the effect of sequence changes on RNA splicing suggest that this variant may disrupt the consensus splice site. For these reasons, this variant has been classified as Pathogenic.

Ambry Genetics
Classification: Pathogenic for Hereditary cancer-predisposing syndrome. Last evaluated: 2024-05-28. Review status: criteria provided, single submitter. Criteria: Ambry Variant Classification Scheme 2023. Collection method: clinical testing. Allele origin: germline. Not counted in ClinVar's aggregate classification.
Comment: The c.689_692delAGAC pathogenic mutation, located in coding exon 9 of the BRCA1 gene, results from a deletion of 4 nucleotides at nucleotide positions 689 to 692, causing a translational frameshift with a predicted alternate stop codon (p.E230Gfs*3). This alteration was identified in an individual diagnosed with breast cancer (Brianese RC et al. Breast Cancer Res Treat, 2018 Feb;167:803-814). This variant is considered to be rare based on population cohorts in the Genome Aggregation Database (gnomAD). In addition to the clinical data presented in the literature, this alteration is expected to result in loss of function by premature protein truncation or nonsense-mediated mRNA decay. As such, this alteration is interpreted as a disease-causing mutation.

Molecular Pathology, Peter Maccallum Cancer Centre
Classification: Pathogenic for Breast-ovarian cancer, familial, susceptibility to, 1. Last evaluated: 2024-03-08. Review status: criteria provided, single submitter. Criteria: ACMG Guidelines, 2015. Collection method: clinical testing. Allele origin: germline. Inheritance: Autosomal dominant inheritance. Not counted in ClinVar's aggregate classification.

Mendelics
Classification: Pathogenic for Breast-ovarian cancer, familial, susceptibility to, 1. Last evaluated: 2019-05-28. Review status: criteria provided, single submitter. Criteria: Mendelics Assertion Criteria 2017. Collection method: clinical testing. Allele origin: unknown. Not counted in ClinVar's aggregate classification.

Clinical and Functional Genomics Group, A.C.Camargo Cancer Center
Classification: Pathogenic for Hereditary Breast Carcinoma. Last evaluated: 2019-01-30. Review status: criteria provided, single submitter. Criteria: Submitter's publication. Collection method: research. Allele origin: germline. Affected: yes. Observed: 1 variant allele. Not counted in ClinVar's aggregate classification.

Consortium of Investigators of Modifiers of BRCA1/2 (CIMBA), c/o University of Cambridge
Classification: Pathogenic for Breast-ovarian cancer, familial, susceptibility to, 1. Last evaluated: 2015-10-02. Review status: criteria provided, single submitter. Criteria: CIMBA Mutation Classification guidelines May 2016. Collection method: clinical testing. Allele origin: germline. Not counted in ClinVar's aggregate classification.

Genesis Genomics
Classification: Pathogenic for Breast-ovarian cancer, familial, susceptibility to, 1. Review status: criteria provided, single submitter. Criteria: ACMG Guidelines, 2015. Collection method: clinical testing. Allele origin: germline. Affected: yes. Observed: 2 variant alleles. Not counted in ClinVar's aggregate classification.

Literature cited by the submitters: PubMed 20104584 (cited by Labcorp Genetics (formerly Invitae), Labcorp); PubMed 29116469 (cited by Ambry Genetics).